The following is an entry in ClinVar:

ClinVar aggregate classification (germline): Uncertain significance (1 of 4 stars; one submission).

Conditions:
Multiple endocrine neoplasia, type 2 (MEN2). Identifiers: Orphanet 653, MedGen C4048306, MONDO:0019003. Disease mechanism: gain of function.

Submission:

Labcorp Genetics (formerly Invitae), Labcorp
Classification: Uncertain significance for Multiple endocrine neoplasia, type 2. Last evaluated: 2021-03-18. Review status: criteria provided, single submitter. Criteria: Invitae Variant Classification Sherloc (09022015). Collection method: clinical testing. Allele origin: germline.
Comment: This variant has not been reported in the literature in individuals with RET-related conditions. In summary, the available evidence is currently insufficient to determine the role of this variant in disease. Therefore, it has been classified as a Variant of Uncertain Significance. Algorithms developed to predict the effect of missense changes on protein structure and function (SIFT, PolyPhen-2, Align-GVGD) all suggest that this variant is likely to be tolerated, but these predictions have not been confirmed by published functional studies and their clinical significance is uncertain. This variant is not present in population databases (ExAC no frequency). This sequence change replaces threonine with proline at codon 78 of the RET protein (p.Thr78Pro). The threonine residue is weakly conserved and there is a small physicochemical difference between threonine and proline.

NM_020975.6(RET):c.232A>C (p.Thr78Pro)

Gene: RET (ret proto-oncogene; plus strand). Cytogenetic location: 10q11.21.
Variant type: single nucleotide variant.
Coding change: c.232A>C on transcript NM_020975.6 (MANE Select); coding-DNA position 232, A replaced by C.
Protein change: p.Thr78Pro; replaces threonine 78 with proline.
Molecular consequence: missense variant.
Genome position (GRCh38, 1-based): chr10:43,100,617, A>C. VCF-style: chr10-43100617-A-C. GRCh37 (hg19) VCF-style: chr10-43596065-A-C.
Other names: c.232A>C, p.Thr78Pro (NM_000323.2, NM_001406743.1, NM_001406744.1 and 34 more transcripts); short protein forms T78P.
Identifiers: ClinVar variation 1439349 (VCV001439349.9), dbSNP rs2132662087, ClinGen allele CA376770365.
Genomic context (GRCh38, chr10:43,100,617, plus strand): 5'-GACGCCCCTGAGGAGGTGCCCAGCTTCCGCCTGGGCCAGCATCTCTACGGCACGTACCGC[A>C]CACGGCTGCATGAGAACAACTGGATCTGCATCCAGGAGGACACCGGCCTCCTCTACCTTA-3'
Protein context (NP_066124.1, residues 68-88): LGQHLYGTYR[Thr78Pro]RLHENNWICI